The following is an entry in ClinVar:

NM_006445.4(PRPF8):c.1410-9C>T

Gene: PRPF8 (pre-mRNA processing factor 8; minus strand). Cytogenetic location: 17p13.3.
Variant type: single nucleotide variant.
Coding change: c.1410-9C>T on transcript NM_006445.4 (MANE Select); 9 bases into the intron before coding-DNA position 1410, C replaced by T.
Molecular consequence: intron variant.
Genome position (GRCh38, 1-based): chr17:1,679,215, G>A on the plus strand (C>T on the coding strand, the complement: PRPF8 is on the minus strand). VCF-style: chr17-1679215-G-A. GRCh37 (hg19) VCF-style: chr17-1582509-G-A.
Other names: c.1410-9C>T (NM_006445.3).
Identifiers: ClinVar variation 1117587 (VCV001117587.8), dbSNP rs781299375, ClinGen allele CA8272340.
Genomic context (GRCh38, chr17:1,679,215, plus strand): 5'-CAGCTTTGTGGACTGAAAGAATTTGGTGGCTTTGAAGGAGCGGAACAAATACCTGAGGTG[G>A]GAACATGGAGAGTAAGAGTCAGCCTACTGATATCTCTGGAACAGAAGTCTGCGCAGGGCC-3'

ClinVar aggregate classification (germline): Likely benign. Review status: criteria provided, multiple submitters, no conflicts (2 of 4 stars). 2 submissions from 2 submitters: Likely benign (2). Last evaluated 2025-08-11.

Conditions:
PRPF8-related disorder. Also called: PRPF8-related condition.

Allele frequency attached by ClinVar (database versions not stated): gnomAD 0.00005 and 0.00004; gnomAD exomes 0.00001 and 0.00003; ExAC 0.00002; TOPMed 0.00004.
gnomAD v4.1: 18 of 1,614,096 alleles (0.0011%); highest among the groups gnomAD compares: African/African-American, 0.019%; no homozygotes.

Submissions (2):

Labcorp Genetics (formerly Invitae), Labcorp
Classification: Likely benign. Last evaluated: 2025-08-11. Review status: criteria provided, single submitter. Criteria: Invitae Variant Classification Sherloc (09022015). Collection method: clinical testing. Allele origin: germline.

PreventionGenetics, part of Exact Sciences
Classification: Likely benign for PRPF8-related condition. Last evaluated: 2024-10-18. Review status: criteria provided, single submitter. Criteria: ACMG Guidelines, 2015. Collection method: clinical testing. Allele origin: germline.
Comment: This variant is classified as likely benign based on ACMG/AMP sequence variant interpretation guidelines (Richards et al. 2015 PMID: 25741868, with internal and published modifications).